The following is an entry in ClinVar:

ClinVar aggregate classification (germline): Uncertain significance. Review status: criteria provided, multiple submitters, no conflicts (2 of 4 stars). 3 submissions from 3 submitters: Uncertain significance (2). 1 of the submissions does not count toward it. Last evaluated 2026-01-21.

Conditions:
Abnormal bleeding. Also called: Bleeding diathesis. Identifiers: MedGen C1458140, HP:0001892.
Thrombocytopenia. Identifiers: MedGen C0040034, MeSH D013921, MONDO:0002049, HP:0001873.

Allele frequency attached by ClinVar (database versions not stated): ExAC 0.00003; gnomAD 0.00003 and 0.00005; gnomAD exomes 0.00006; TOPMed 0.00006; ESP Exome Variant Server 0.00008.
gnomAD v4.1: 155 of 1,613,912 alleles (0.0096%); highest among the groups gnomAD compares: Non-Finnish European, 0.012%; no homozygotes.

Submissions (3):

Labcorp Genetics (formerly Invitae), Labcorp
Classification: Uncertain significance. Last evaluated: 2026-01-21. Review status: criteria provided, single submitter. Criteria: Invitae Variant Classification Sherloc (09022015). Collection method: clinical testing. Allele origin: germline.
Comment: This sequence change replaces lysine, which is basic and polar, with asparagine, which is neutral and polar, at codon 129 of the MECOM protein (p.Lys129Asn). This variant is present in population databases (rs373255348, gnomAD 0.009%). This missense change has been observed in individual(s) with macrothrombocytopenia (PMID: 32935436). This variant is also known as c.951G>T (p.Lys317Asn). ClinVar contains an entry for this variant (Variation ID: 988843). An algorithm developed to predict the effect of missense changes on protein structure and function (PolyPhen-2) suggests that this variant is likely to be disruptive. In summary, the available evidence is currently insufficient to determine the role of this variant in disease. Therefore, it has been classified as a Variant of Uncertain Significance.

Breakthrough Genomics
Classification: Uncertain significance. Review status: criteria provided, single submitter. Criteria: ACMG Guidelines, 2015. Collection method: not provided. Allele origin: germline. Inheritance: Autosomal dominant inheritance. Affected: yes.

Birmingham Platelet Group; University of Birmingham
Classification: Uncertain significance for Thrombocytopenia; Abnormal bleeding. Last evaluated: 2020-05-01. Review status: no assertion criteria provided. Collection method: research. Allele origin: germline. Affected: yes. Not counted in ClinVar's aggregate classification.

Literature cited by the submitters: PubMed 32935436 (cited by Labcorp Genetics (formerly Invitae), Labcorp).

NM_004991.4(MECOM):c.951G>T (p.Lys317Asn)

Gene: MECOM (MDS1 and EVI1 complex locus; minus strand). Cytogenetic location: 3q26.2.
Variant type: single nucleotide variant.
Coding change: c.951G>T on transcript NM_004991.4 (MANE Select); coding-DNA position 951, G replaced by T.
Protein change: p.Lys317Asn; replaces lysine 317 with asparagine.
Molecular consequence: missense variant.
Genome position (GRCh38, 1-based): chr3:169,122,607, C>A on the plus strand (G>T on the coding strand, the complement: MECOM is on the minus strand). VCF-style: chr3-169122607-C-A. GRCh37 (hg19) VCF-style: chr3-168840395-C-A.
Other names: c.579G>T, p.Lys193Asn (NM_001105077.4); c.387G>T, p.Lys129Asn (NM_001105078.4, NM_001163999.2, NM_001164000.2 and 9 more transcripts); c.951G>T, p.Lys317Asn (NM_001366466.2, NM_001366473.2); short protein forms K129N, K193N, K317N.
Identifiers: ClinVar variation 988843 (VCV000988843.6), dbSNP rs373255348, ClinGen allele CA2696426.